The following is an entry in ClinVar:

ClinVar aggregate classification (germline): Conflicting classifications of pathogenicity. Review status: criteria provided, conflicting classifications (1 of 4 stars). 3 submissions from 3 submitters: Uncertain significance (2); Likely benign (1). Last evaluated 2025-05-05.

Conditions:
Emery-Dreifuss muscular dystrophy 5, autosomal dominant (EDMD5). Also called: EMERY-DREIFUSS MUSCULAR DYSTROPHY 5. Identifiers: Orphanet 261, MedGen C2751805, MONDO:0013072, OMIM 612999.

Allele frequency attached by ClinVar (database versions not stated): ExAC 0.00002; gnomAD exomes 0.00004 and 0.00006; gnomAD 0.00006 and 0.00007; TOPMed 0.00006; ESP Exome Variant Server 0.00015.
gnomAD v4.1: 68 of 1,613,940 alleles (0.0042%); highest among the groups gnomAD compares: Admixed American, 0.0067%; no homozygotes.

Submissions (3):

Ambry Genetics
Classification: Uncertain significance. Last evaluated: 2025-05-05. Review status: criteria provided, single submitter. Criteria: Ambry Variant Classification Scheme 2023. Collection method: clinical testing. Allele origin: germline.

Labcorp Genetics (formerly Invitae), Labcorp
Classification: Uncertain significance for Emery-Dreifuss muscular dystrophy 5, autosomal dominant. Last evaluated: 2024-11-17. Review status: criteria provided, single submitter. Criteria: Invitae Variant Classification Sherloc (09022015). Collection method: clinical testing. Allele origin: germline.
Comment: This sequence change replaces arginine, which is basic and polar, with glutamine, which is neutral and polar, at codon 6381 of the SYNE2 protein (p.Arg6381Gln). This variant is present in population databases (rs140857065, gnomAD 0.01%). This variant has not been reported in the literature in individuals affected with SYNE2-related conditions. ClinVar contains an entry for this variant (Variation ID: 880602). An algorithm developed to predict the effect of missense changes on protein structure and function (PolyPhen-2) suggests that this variant is likely to be disruptive. In summary, the available evidence is currently insufficient to determine the role of this variant in disease. Therefore, it has been classified as a Variant of Uncertain Significance.

Illumina Laboratory Services, Illumina
Classification: Likely benign for Emery-Dreifuss muscular dystrophy 5, autosomal dominant. Last evaluated: 2018-01-13. Review status: criteria provided, single submitter. Criteria: ICSL Variant Classification Criteria 13 December 2019. Collection method: clinical testing. Allele origin: germline.
Comment: This variant was observed in the ICSL laboratory as part of a predisposition screen in an ostensibly healthy population. It had not been previously curated by ICSL or reported in the Human Gene Mutation Database (HGMD: prior to June 1st, 2018), and was therefore a candidate for classification through an automated scoring system. Utilizing variant allele frequency, disease prevalence and penetrance estimates, and inheritance mode, an automated score was calculated to assess if this variant is too frequent to cause the disease. Based on the score and internal cut-off values, a variant classified as likely benign is not then subjected to further curation. The score for this variant resulted in a classification of likely benign for this disease.

NM_182914.3(SYNE2):c.19142G>A (p.Arg6381Gln)

Gene: SYNE2 (spectrin repeat containing nuclear envelope protein 2; plus strand). Cytogenetic location: 14q23.2.
Variant type: single nucleotide variant.
Coding change: c.19142G>A on transcript NM_182914.3 (MANE Select); coding-DNA position 19142, G replaced by A.
Protein change: p.Arg6381Gln; replaces arginine 6381 with glutamine.
Molecular consequence: missense variant.
Genome position (GRCh38, 1-based): chr14:64,214,279, G>A. VCF-style: chr14-64214279-G-A. GRCh37 (hg19) VCF-style: chr14-64680997-G-A.
Other names: c.19142G>A, p.Arg6381Gln (NM_015180.6); c.44G>A, p.Arg15Gln (NM_182913.4); short protein forms R15Q, R6381Q.
Identifiers: ClinVar variation 880602 (VCV000880602.12), dbSNP rs140857065, ClinGen allele CA7224330.
Genomic context (GRCh38, chr14:64,214,279, plus strand): 5'-CTGAGAATGAAACAGACATGGAAGACCCCAGAGAAATCCAGACTGATTCTTGGCGTAAAC[G>A]GGGAGAGAGCGAGGAACCGTCATCTCCTCAGTCCCTGTGTCATCTAGTGGCCCCAGGGCA-3'
Protein context (NP_878918.2, residues 6371-6391): REIQTDSWRK[Arg6381Gln]GESEEPSSPQ